The following is an entry in ClinVar:

ClinVar aggregate classification (germline): Benign/Likely benign. Review status: criteria provided, multiple submitters, no conflicts (2 of 4 stars). 6 submissions from 6 submitters: Benign (3); Likely benign (1). 2 of the submissions do not count toward it. Last evaluated 2025-02-16.

Conditions:
Occult macular dystrophy (OCMD). Also called: OCCULT MACULAR DYSTROPHY, SUSCEPTIBILITY TO; OMD. Identifiers: Orphanet 247834, MedGen C3150833, MONDO:0013316, OMIM 613587, HP:0030636.

Allele frequency attached by ClinVar (database versions not stated): gnomAD 0.05310 and 0.05322; ExAC 0.13039.
gnomAD v4.1: 47,720 of 1,064,674 alleles (4.5%); highest among the groups gnomAD compares: South Asian, 6.3%; 2,548 homozygotes.

Submissions (6):

Laboratory of Genetics, Children's Clinical University Hospital Latvia
Classification: Likely benign. Last evaluated: 2025-02-16. Review status: criteria provided, single submitter. Criteria: ACMG Guidelines, 2015. Collection method: clinical testing. Allele origin: germline. Affected: yes.

GeneDx
Classification: Benign. Last evaluated: 2018-08-16. Review status: criteria provided, single submitter. Criteria: GeneDx Variant Classification Process June 2021. Collection method: clinical testing. Allele origin: germline. Affected: yes.

Illumina Laboratory Services, Illumina
Classification: Benign for Occult macular dystrophy. Last evaluated: 2018-01-13. Review status: criteria provided, single submitter. Criteria: ICSL Variant Classification Criteria 13 December 2019. Collection method: clinical testing. Allele origin: germline.
Comment: This variant was observed in the ICSL laboratory as part of a predisposition screen in an ostensibly healthy population. It had not been previously curated by ICSL or reported in the Human Gene Mutation Database (HGMD: prior to June 1st, 2018), and was therefore a candidate for classification through an automated scoring system. Utilizing variant allele frequency, disease prevalence and penetrance estimates, and inheritance mode, an automated score was calculated to assess if this variant is too frequent to cause the disease. Based on the score and internal cut-off values, a variant classified as benign is not then subjected to further curation. The score for this variant resulted in a classification of benign for this disease.

Breakthrough Genomics
Classification: Benign. Review status: criteria provided, single submitter. Criteria: ACMG Guidelines, 2015. Collection method: not provided. Allele origin: germline. Inheritance: Autosomal recessive inheritance. Affected: yes.

Clinical Genetics DNA and cytogenetics Diagnostics Lab, Erasmus MC, Erasmus Medical Center
Classification: Likely benign. Review status: no assertion criteria provided. Collection method: clinical testing. Allele origin: germline. Affected: yes. Study: VKGL Data-share Consensus. Not counted in ClinVar's aggregate classification.

Clinical Genetics, Academic Medical Center
Classification: Benign. Review status: no assertion criteria provided. Collection method: clinical testing. Allele origin: germline. Affected: yes. Study: VKGL Data-share Consensus. Not counted in ClinVar's aggregate classification.

NM_178857.6(RP1L1):c.3979A>G (p.Thr1327Ala)

Gene: RP1L1 (RP1 like 1). Cytogenetic location: 8p23.1.
Variant type: single nucleotide variant.
Coding change: c.3979A>G on transcript NM_178857.6 (MANE Select); coding-DNA position 3979, A replaced by G.
Protein change: p.Thr1327Ala; replaces threonine 1327 with alanine.
Molecular consequence: missense variant.
Genome position (GRCh38, 1-based): chr8:10,610,119, T>C on the plus strand (A>G on the coding strand, the complement: RP1L1 is on the minus strand). VCF-style: chr8-10610119-T-C. GRCh37 (hg19) VCF-style: chr8-10467629-T-C.
Other names: short protein forms T1327A.
Identifiers: ClinVar variation 908414 (VCV000908414.9), dbSNP rs139405108, ClinGen allele CA4624263.